The following is an entry in ClinVar:

ClinVar aggregate classification (germline): Uncertain significance (1 of 4 stars; one submission).

Submission:

Ambry Genetics
Classification: Uncertain significance. Last evaluated: 2022-12-14. Review status: criteria provided, single submitter. Criteria: Ambry Variant Classification Scheme 2023. Collection method: clinical testing. Allele origin: germline.
Comment: The p.A358T variant (also known as c.1072G>A), located in coding exon 10 of the SLMAP gene, results from a G to A substitution at nucleotide position 1072. The alanine at codon 358 is replaced by threonine, an amino acid with similar properties. This amino acid position is conserved. In addition, the in silico prediction for this alteration is inconclusive. Since supporting evidence is limited at this time, the clinical significance of this alteration remains unclear.

NM_001377540.1(SLMAP):c.1072G>A (p.Ala358Thr)

Gene: SLMAP (sarcolemma associated protein; plus strand). Cytogenetic location: 3p14.3.
Variant type: single nucleotide variant.
Coding change: c.1072G>A on transcript NM_001377540.1 (MANE Select); coding-DNA position 1072, G replaced by A.
Protein change: p.Ala358Thr; replaces alanine 358 with threonine.
Molecular consequence: missense variant. On other transcripts: non-coding transcript variant (1).
Genome position (GRCh38, 1-based): chr3:57,864,653, G>A. VCF-style: chr3-57864653-G-A. GRCh37 (hg19) VCF-style: chr3-57850380-G-A.
Other names: c.1072G>A, p.Ala358Thr (NM_001304420.3, NM_001304421.2, NM_001377538.1 and 17 more transcripts); short protein forms A358T.
Identifiers: ClinVar variation 2496858 (VCV002496858.2), dbSNP rs2473552011, ClinGen allele CA353409390.
Genomic context (GRCh38, chr3:57,864,653, plus strand): 5'-GAGAAAAAAGAATTACAACATAAAATAGATGAAATGGAAGAAAAAGAACAGGAGCTCCAG[G>A]CAAAAATAGAAGCTTTGCAAGCTGATAATGATTTCACCAATGAAAGGCTAACAGCTTTAC-3'
Protein context (NP_001364469.1, residues 348-368): EMEEKEQELQ[Ala358Thr]KIEALQADND